The following is an entry in ClinVar:

NM_001022.4(RPS19):c.412-2A>G

Genes: RPS19 (ribosomal protein S19; plus strand), RPS19-CD79A (RPS19-CD79A readthrough; plus strand). Cytogenetic location: 19q13.2.
Variant type: single nucleotide variant.
Coding change: c.412-2A>G on transcript NM_001022.4 (MANE Select); the canonical splice acceptor site of the intron before coding-DNA position 412, A replaced by G.
Molecular consequence: splice acceptor variant.
Genome position (GRCh38, 1-based): chr19:41,871,349, A>G. VCF-style: chr19-41871349-A-G. GRCh37 (hg19) VCF-style: chr19-42375417-A-G.
Other names: c.412-2A>G (NM_001321484.2, NM_001321483.2); c.425-2A>G (NM_001321485.2).
Identifiers: ClinVar variation 2780440 (VCV002780440.4), dbSNP rs2513688329, ClinGen allele CA406030785.

ClinVar aggregate classification (germline): Pathogenic/Likely pathogenic. Review status: criteria provided, multiple submitters, no conflicts (2 of 4 stars). 2 submissions from 2 submitters: Pathogenic (1); Likely pathogenic (1). Last evaluated 2024-01-25.

Conditions:
Diamond-Blackfan anemia. Also called: Blackfan Diamond syndrome; Aregenerative anemia chronic congenital; Red cell aplasia, pure hereditary; Congenital hypoplastic anemia; Aase syndrome. Identifiers: Orphanet 124, MedGen C1260899, MeSH D029503, MONDO:0015253, HP:0004810.
Diamond-Blackfan anemia 1 (DBA1). Also called: RPS19-Related Diamond-Blackfan Anemia; BLACKFAN-DIAMOND SYNDROME; ANEMIA, CONGENITAL HYPOPLASTIC, OF BLACKFAN AND DIAMOND; ANEMIA, CONGENITAL ERYTHROID HYPOPLASTIC; RED CELL APLASIA, PURE, HEREDITARY; AREGENERATIVE ANEMIA, CHRONIC CONGENITAL. Identifiers: Orphanet 124, MedGen C2676137, MONDO:0007110, OMIM 105650.

Submissions (2):

Revvity Omics, Revvity
Classification: Likely pathogenic for Diamond-Blackfan anemia 1. Last evaluated: 2024-01-25. Review status: criteria provided, single submitter. Criteria: ACMG Guidelines, 2015. Collection method: clinical testing. Allele origin: germline.

Labcorp Genetics (formerly Invitae), Labcorp
Classification: Pathogenic for Diamond-Blackfan anemia. Last evaluated: 2024-01-19. Review status: criteria provided, single submitter. Criteria: Invitae Variant Classification Sherloc (09022015). Collection method: clinical testing. Allele origin: germline.
Comment: This sequence change affects an acceptor splice site in intron 5 of the RPS19 gene. While this variant is not anticipated to result in nonsense mediated decay, it likely alters RNA splicing and results in a disrupted protein product. This variant is not present in population databases (gnomAD no frequency). Disruption of this splice site has been observed in individual(s) with Diamond-Blackfan anemia (PMID: 34110484; Invitae). In at least one individual the variant was observed to be de novo. Variants that disrupt the consensus splice site are a relatively common cause of aberrant splicing (PMID: 17576681, 9536098). Algorithms developed to predict the effect of sequence changes on RNA splicing suggest that this variant may disrupt the consensus splice site. For these reasons, this variant has been classified as Pathogenic.

Literature cited by the submitters: PubMed 34110484 (cited by Labcorp Genetics (formerly Invitae), Labcorp); PubMed 17576681 (cited by Labcorp Genetics (formerly Invitae), Labcorp); PubMed 9536098 (cited by Labcorp Genetics (formerly Invitae), Labcorp).